The following is an entry in ClinVar:

ClinVar aggregate classification (germline): Uncertain significance (1 of 4 stars; one submission).

gnomAD v4.1: 7 of 1,613,992 alleles (0.00043%); highest among the groups gnomAD compares: Non-Finnish European, 0.00059%; no homozygotes.

Submission:

Athena Diagnostics
Classification: Uncertain significance. Last evaluated: 2024-12-27. Review status: criteria provided, single submitter. Criteria: Athena Diagnostics Criteria. Collection method: clinical testing. Allele origin: unknown.
Comment: Available data are insufficient to determine the clinical significance of the variant at this time. The frequency of this variant in the general population is uninformative in assessment of its pathogenicity. Polyphen and MutationTaster predict this amino acid change may be benign.

NM_018075.5(ANO10):c.329G>A (p.Gly110Asp)

Gene: ANO10 (anoctamin 10; minus strand). Cytogenetic location: 3p21.33.
Variant type: single nucleotide variant.
Coding change: c.329G>A on transcript NM_018075.5 (MANE Select); coding-DNA position 329, G replaced by A.
Protein change: p.Gly110Asp; replaces glycine 110 with aspartic acid.
Molecular consequence: missense variant. On other transcripts: intron variant (4).
Genome position (GRCh38, 1-based): chr3:43,600,392, C>T on the plus strand (G>A on the coding strand, the complement: ANO10 is on the minus strand). VCF-style: chr3-43600392-C-T. GRCh37 (hg19) VCF-style: chr3-43641884-C-T.
Other names: c.329G>A, p.Gly110Asp (NM_001204831.3, NM_001204834.3, NM_001346463.2 and 4 more transcripts); c.140-1726G>A (NM_001346469.2, NM_001204832.3, NM_001346466.2); c.139+5322G>A (NM_001204833.3); short protein forms G110D.
Identifiers: ClinVar variation 4682239 (VCV004682239.1).
Genomic context (GRCh38, chr3:43,600,392, plus strand): 5'-AACTTCTTTTTGATAAATGGATTCTAACAGAGACAAAGAACTTAGGGCTTACCATCAAAA[C>T]CTTTGAAGTTCTGTCTGGTTCTGTATGTGAAGGCTCTCATGGTGTTATCATTGCACTCTT-3'
Protein context (NP_060545.3, residues 100-120): FTYRTRQNFK[Gly110Asp]FDDNNDDFLT